The following is an entry in ClinVar:

NM_000304.4(PMP22):c.407A>C (p.Tyr136Ser)

Gene: PMP22 (peripheral myelin protein 22; minus strand). Cytogenetic location: 17p12.
Variant type: single nucleotide variant.
Coding change: c.407A>C on transcript NM_000304.4 (MANE Select); coding-DNA position 407, A replaced by C.
Protein change: p.Tyr136Ser; replaces tyrosine 136 with serine.
Molecular consequence: missense variant. On other transcripts: non-coding transcript variant (2).
Genome position (GRCh38, 1-based): chr17:15,230,993, T>G on the plus strand (A>C on the coding strand, the complement: PMP22 is on the minus strand). VCF-style: chr17-15230993-T-G. GRCh37 (hg19) VCF-style: chr17-15134310-T-G.
Other names: p.Tyr136Ser; c.407A>C, p.Tyr136Ser (NM_001281455.2, NM_001281456.2, NM_153321.3 and 1 more transcripts); short protein forms Y136S.
Identifiers: ClinVar variation 892337 (VCV000892337.11), dbSNP rs375449671, ClinGen allele CA8403305.

ClinVar aggregate classification (germline): Uncertain significance. Review status: criteria provided, multiple submitters, no conflicts (2 of 4 stars). 5 submissions from 4 submitters: Uncertain significance (5). Last evaluated 2025-12-14.

Conditions:
Charcot-Marie-Tooth disease. Also called: Charcot-Marie-Tooth Neuropathy; Charcot-Marie-Tooth Hereditary Neuropathy. Identifiers: Orphanet 166, MedGen C0007959, MONDO:0015626.
Charcot-Marie-Tooth disease, type I (CMT1). Also called: Charcot-Marie-Tooth, Type 1; Charcot-Marie-Tooth disease type 1. Identifiers: Orphanet 65753, MedGen C0751036, MONDO:0019011.
Hereditary liability to pressure palsies (HNPP). Also called: POLYNEUROPATHY, FAMILIAL RECURRENT; TOMACULOUS NEUROPATHY; Hereditary Neuropathy with Liability to Pressure Palsies. Identifiers: Orphanet 640, MedGen C0393814, MONDO:0008087, OMIM 162500.

Allele frequency attached by ClinVar (database versions not stated): ExAC 0.00001; gnomAD exomes 0.00001; TOPMed 0.00001; gnomAD 0.00002; ESP Exome Variant Server 0.00008.
gnomAD v4.1: 10 of 1,614,052 alleles (0.00062%); highest among the groups gnomAD compares: Non-Finnish European, 0.00085%; no homozygotes.

Submissions (5):

Labcorp Genetics (formerly Invitae), Labcorp
Classification: Uncertain significance for Charcot-Marie-Tooth disease, type I. Last evaluated: 2025-12-14. Review status: criteria provided, single submitter. Criteria: Invitae Variant Classification Sherloc (09022015). Collection method: clinical testing. Allele origin: germline.
Comment: This sequence change replaces tyrosine, which is neutral and polar, with serine, which is neutral and polar, at codon 136 of the PMP22 protein (p.Tyr136Ser). This variant is present in population databases (rs375449671, gnomAD 0.003%). This variant has not been reported in the literature in individuals affected with PMP22-related conditions. ClinVar contains an entry for this variant (Variation ID: 892337). An algorithm developed to predict the effect of missense changes on protein structure and function (PolyPhen-2) suggests that this variant is likely to be disruptive. In summary, the available evidence is currently insufficient to determine the role of this variant in disease. Therefore, it has been classified as a Variant of Uncertain Significance.

Mayo Clinic Laboratories, Mayo Clinic
Classification: Uncertain significance. Last evaluated: 2023-11-30. Review status: criteria provided, single submitter. Criteria: ACMG Guidelines, 2015. Collection method: clinical testing. Allele origin: germline. Observed: 1 variant allele.
Comment: PP3

Illumina Laboratory Services, Illumina
Classification: Uncertain significance for Charcot-Marie-Tooth disease, type I. Last evaluated: 2017-04-27. Review status: criteria provided, single submitter. Criteria: ICSL Variant Classification Criteria 13 December 2019. Collection method: clinical testing. Allele origin: germline.
Comment: This variant was observed as part of a predisposition screen in an ostensibly healthy population. A literature search was performed for the gene, cDNA change, and amino acid change (where applicable). Publications were found based on this search. However, the evidence from the literature, in combination with allele frequency data from public databases where available, was not sufficient to rule this variant in or out of causing disease. Therefore, this variant is classified as a variant of unknown significance.

Illumina Laboratory Services, Illumina
Classification: Uncertain significance for Hereditary liability to pressure palsies. Last evaluated: 2017-04-27. Review status: criteria provided, single submitter. Criteria: ICSL Variant Classification Criteria 13 December 2019. Collection method: clinical testing. Allele origin: germline.
Comment: the same text as in the submission from Illumina Laboratory Services, Illumina above.

Molecular Genetics Laboratory, London Health Sciences Centre
Classification: Uncertain significance for Charcot-Marie-Tooth disease. Review status: criteria provided, single submitter. Criteria: ACMG Guidelines, 2015. Collection method: clinical testing. Allele origin: germline. Affected: yes.

Literature cited by the submitters: PubMed 25400662 (cited by Mayo Clinic Laboratories, Mayo Clinic and Illumina Laboratory Services, Illumina); PubMed 28374912 (cited by Mayo Clinic Laboratories, Mayo Clinic).